The following is an entry in ClinVar:

ClinVar aggregate classification (germline): Uncertain significance. Review status: criteria provided, multiple submitters, no conflicts (2 of 4 stars). 6 submissions from 5 submitters: Uncertain significance (6). Last evaluated 2024-01-17.

Conditions:
Inborn genetic diseases. Identifiers: MedGen C0950123, MeSH D030342.
Dilated cardiomyopathy 1L (CMD1L). Identifiers: Orphanet 154, MedGen C1847667, MONDO:0011702, OMIM 606685.
Autosomal recessive limb-girdle muscular dystrophy type 2F (LGMDR6). Also called: Muscular dystrophy limb-girdle with delta-sarcoglyan deficiency; MUSCULAR DYSTROPHY, LIMB-GIRDLE, AUTOSOMAL RECESSIVE 6. Identifiers: Orphanet 219, MedGen C1832525, MONDO:0011028, OMIM 601287. Disease mechanism: Affects gamma-sarcoglycan and also disrupts the integrity of the entire sarcoglycan complex..

Allele frequency attached by ClinVar (database versions not stated): gnomAD 0.00001 and 0.00002; ExAC 0.00004; gnomAD exomes 0.00004 and 0.00009; 1000 Genomes Project 30x 0.00016; 1000 Genomes Project 0.00020.
gnomAD v4.1: 138 of 1,607,562 alleles (0.0086%); highest among the groups gnomAD compares: Non-Finnish European, 0.011%; no homozygotes.

Submissions (6):

Ambry Genetics
Classification: Uncertain significance for Inborn genetic diseases. Last evaluated: 2024-01-17. Review status: criteria provided, single submitter. Criteria: Ambry Variant Classification Scheme 2023. Collection method: clinical testing. Allele origin: germline.

Women's Health and Genetics/Laboratory Corporation of America, LabCorp
Classification: Uncertain significance. Last evaluated: 2023-08-28. Review status: criteria provided, single submitter. Criteria: LabCorp Variant Classification Summary - May 2015. Collection method: clinical testing. Allele origin: germline.
Comment: Variant summary: SGCD c.31C>T (p.Arg11Trp) results in a non-conservative amino acid change in the encoded protein sequence. Four of five in-silico tools predict a damaging effect of the variant on protein function. The variant allele was found at a frequency of 3.7e-05 in 243432 control chromosomes. The available data on variant occurrences in the general population are insufficient to allow any conclusion about variant significance. To our knowledge, no occurrence of c.31C>T in individuals affected with Dilated Cardiomyopathy and no experimental evidence demonstrating its impact on protein function have been reported. Four submitters have cited clinical-significance assessments for this variant to ClinVar after 2014. All submitters classified the variant as uncertain significance. Based on the evidence outlined above, the variant was classified as uncertain significance.

Genome-Nilou Lab
Classification: Uncertain significance for Autosomal recessive limb-girdle muscular dystrophy type 2F. Last evaluated: 2023-02-08. Review status: criteria provided, single submitter. Criteria: ACMG Guidelines, 2015. Collection method: clinical testing. Allele origin: germline.

Genome-Nilou Lab
Classification: Uncertain significance for Dilated cardiomyopathy 1L. Last evaluated: 2023-02-08. Review status: criteria provided, single submitter. Criteria: ACMG Guidelines, 2015. Collection method: clinical testing. Allele origin: germline.

Labcorp Genetics (formerly Invitae), Labcorp
Classification: Uncertain significance for Autosomal recessive limb-girdle muscular dystrophy type 2F. Last evaluated: 2022-08-07. Review status: criteria provided, single submitter. Criteria: Invitae Variant Classification Sherloc (09022015). Collection method: clinical testing. Allele origin: germline.
Comment: This sequence change replaces arginine, which is basic and polar, with tryptophan, which is neutral and slightly polar, at codon 11 of the SGCD protein (p.Arg11Trp). This variant is present in population databases (rs566181541, gnomAD 0.01%). This variant has not been reported in the literature in individuals affected with SGCD-related conditions. ClinVar contains an entry for this variant (Variation ID: 1358322). Algorithms developed to predict the effect of missense changes on protein structure and function (SIFT, PolyPhen-2, Align-GVGD) all suggest that this variant is likely to be disruptive. In summary, the available evidence is currently insufficient to determine the role of this variant in disease. Therefore, it has been classified as a Variant of Uncertain Significance.

Revvity Omics, Revvity
Classification: Uncertain significance. Last evaluated: 2021-03-03. Review status: criteria provided, single submitter. Criteria: ACMG Guidelines, 2015. Collection method: clinical testing. Allele origin: germline.

NM_000337.6(SGCD):c.31C>T (p.Arg11Trp)

Gene: SGCD (sarcoglycan delta; plus strand). Cytogenetic location: 5q33.3.
Variant type: single nucleotide variant.
Coding change: c.31C>T on transcript NM_000337.6 (MANE Select); coding-DNA position 31, C replaced by T.
Protein change: p.Arg11Trp; replaces arginine 11 with tryptophan.
Molecular consequence: missense variant.
Genome position (GRCh38, 1-based): chr5:156,344,516, C>T. VCF-style: chr5-156344516-C-T. GRCh37 (hg19) VCF-style: chr5-155771526-C-T.
Other names: c.28C>T, p.Arg10Trp (NM_001128209.2); c.31C>T, p.Arg11Trp (NM_172244.3); short protein forms R11W, R10W.
Identifiers: ClinVar variation 1358322 (VCV001358322.11), dbSNP rs566181541, ClinGen allele CA3530471.